The following is an entry in ClinVar:

ClinVar aggregate classification (germline): Pathogenic (3 of 4 stars; one submission).

Conditions:
Monogenic diabetes. Identifiers: Orphanet 183625, MedGen C3888631, MONDO:0015967.

Submission:

ClinGen Monogenic Diabetes Variant Curation Expert Panel
Classification: Pathogenic for Monogenic diabetes. Last evaluated: 2026-02-19. Review status: reviewed by expert panel. Criteria: ClinGen Diabetes ACMG Specifications HNF1A V3.1.0. Collection method: curation. Allele origin: germline. Inheritance: Autosomal dominant inheritance.
Comment: The c.617_626dup variant in the HNF1 homeobox A gene, HNF1A, causes a frameshift in the protein at codon 210 (NM_000545.8), adding 13 novel amino acids before encountering a stop codon (p.(Ser210GlyfsTer13)). This variant, located in biologically-relevant exon 3 of 10, is predicted to lead to nonsense mediated decay in a gene in which loss-of-function is an established disease mechanism (PVS1; PMID: [23348805]). This variant was identified in an individual with a clinical history highly specific for HNF1A-monogenic diabetes (MODY probability calculator result >50%, negative genetic testing for HNF4A, and antibody negative) (PP4_Moderate; internal lab contributors). This variant segregated with diabetes, with at least 5 informative meioses in 1 family (PP1_Strong; internal lab contributors). This variant is absent from gnomAD v4.1.0 (PM2_Supporting). In summary, c.617_626dup meets the criteria to be classified as pathogenic for monogenic diabetes. ACMG/AMP criteria applied, as specified by the ClinGen MDEP VCEP (specification version 3.1.0, approved 10/10/2025): PVS1, PP1_strong, PP4_moderate, PM2_supporting.

Literature cited by the submitters: PubMed 23348805.

NM_000545.8(HNF1A):c.617_626dup (p.Ser210fs)

Gene: HNF1A (HNF1 homeobox A; plus strand). Cytogenetic location: 12q24.31.
Variant type: Duplication.
Coding change: c.617_626dup on transcript NM_000545.8 (MANE Select); coding-DNA positions 617 to 626, 10 bases duplicated (GGGGCCCAGC; older notation c.617_626dupGGGGCCCAGC).
Protein change: p.Ser210fs; shifts the reading frame from serine 210.
Molecular consequence: frameshift variant.
Genome position (GRCh38, 1-based): chr12:120,993,610-120,993,619, GGGGCCCAGC duplicated. VCF-style (leftmost placement, unchanged base first): chr12-120993609-T-TGGGGCCCAGC. GRCh37 (hg19) VCF-style: chr12-121431412-T-TGGGGCCCAGC.
Other names: NM_001306179.2:c.617_626dup; c.617_626dup, p.Ser210fs (NM_001306179.2, NM_001406915.1); short protein forms S210fs.
Identifiers: ClinVar variation 4796694 (VCV004796694.1).